The following is an entry in ClinVar:

NM_001371623.1(TCOF1):c.1944C>T (p.Thr648=)

Gene: TCOF1 (treacle ribosome biogenesis factor 1; plus strand). Cytogenetic location: 5q32.
Variant type: single nucleotide variant.
Coding change: c.1944C>T on transcript NM_001371623.1 (MANE Select); coding-DNA position 1944, C replaced by T.
Protein change: p.Thr648=; no amino-acid change (threonine 648 retained).
Molecular consequence: synonymous variant.
Genome position (GRCh38, 1-based): chr5:150,376,132, C>T. VCF-style: chr5-150376132-C-T. GRCh37 (hg19) VCF-style: chr5-149755695-C-T.
Other names: c.1713C>T, p.Thr571= (NM_000356.4, NM_001135245.2); c.1944C>T, p.Thr648= (NM_001008657.3, NM_001135243.2, NM_001135244.2 and 1 more transcripts).
Identifiers: ClinVar variation 3775226 (VCV003775226.1).

ClinVar aggregate classification (germline): Uncertain significance (1 of 4 stars; one submission).

Conditions:
Treacher Collins syndrome 1 (TCS1). Also called: TCOF1-Related Treacher Collins Syndrome. Identifiers: Orphanet 861, MedGen CN315775, MONDO:0007944, OMIM 154500.

gnomAD v4.1: 1 of 1,614,116 alleles (0.000062%); highest among the groups gnomAD compares: Non-Finnish European, 0.000085%; no homozygotes.

Submission:

3billion
Classification: Uncertain significance for Treacher Collins syndrome 1. Last evaluated: 2023-08-11. Review status: criteria provided, single submitter. Criteria: ACMG Guidelines, 2015. Collection method: clinical testing. Allele origin: germline. Affected: yes.
Comment: The variant is not observed in the gnomAD v2.1.1 dataset. Predicted Consequence/Location: Synonymous variant In silico tools predict the variant to alter splicing and produce an abnormal transcript [SpliceAI: 0.23 (>=0.2, moderate evidence for spliceogenicity)]. Therefore, this variant is classified as VUS according to the recommendation of ACMG/AMP guideline.